The following is an entry in ClinVar:

ClinVar aggregate classification (germline): Pathogenic. Review status: criteria provided, multiple submitters, no conflicts (2 of 4 stars). 2 submissions from 2 submitters: Pathogenic (2). Last evaluated 2025-12-19.

Conditions:
Chondrodysplasia punctata 2 X-linked dominant (CDPX2). Also called: EBP-Related X-Linked Chondrodysplasia Punctata; CONRADI-HUNERMANN-HAPPLE SYNDROME; HAPPLE SYNDROME; Hunermann-Conradi Syndrome. Identifiers: Orphanet 35173, MedGen C0282102, MONDO:0020603, OMIM 302960.

Submissions (2):

Labcorp Genetics (formerly Invitae), Labcorp
Classification: Pathogenic. Last evaluated: 2025-12-19. Review status: criteria provided, single submitter. Criteria: Invitae Variant Classification Sherloc (09022015). Collection method: clinical testing. Allele origin: germline.
Comment: This sequence change creates a premature translational stop signal (p.Trp186*) in the EBP gene. While this is not anticipated to result in nonsense mediated decay, it is expected to disrupt the last 45 amino acid(s) of the EBP protein. This variant is not present in population databases (gnomAD no frequency). This premature translational stop signal has been observed in individual(s) with chondrodysplasia punctata (PMID: 10391218). This variant is also known as 669G>A. This variant disrupts a region of the EBP protein in which other variant(s) (p.Trp196*) have been determined to be pathogenic (PMID: 10942423, 11038443). This suggests that this is a clinically significant region of the protein, and that variants that disrupt it are likely to be disease-causing. For these reasons, this variant has been classified as Pathogenic.

Variantyx, Inc.
Classification: Pathogenic for Chondrodysplasia punctata 2 X-linked dominant. Last evaluated: 2025-09-05. Review status: criteria provided, single submitter. Criteria: Variantyx Assertion Criteria 2022. Collection method: clinical testing. Allele origin: maternal. Inheritance: X-linked dominant inheritance. Affected: yes.
Comment: This is a nonsense variant in the EBP gene (OMIM: 300205). Pathogenic variants in this gene have been associated with X-linked chondrodysplasia punctata. This variant introduces a premature termination codon in exon 74 out of 146 and is expected to result in loss of function, which is a known disease mechanism for EBP in this disorder (PMID: 11038443, 12509714, 10942423, 40386185) (PVS1). This variant is absent from control populations (PM2) and has not been reported in individuals with EBP-related disorders in the databases available for review. Based on the current evidence, this variant is classified as pathogenic for X-linked chondrodysplasia punctata.

Literature cited by the submitters: PubMed 10391218 (cited by Labcorp Genetics (formerly Invitae), Labcorp); PubMed 10942423 (cited by Labcorp Genetics (formerly Invitae), Labcorp and Variantyx, Inc.); PubMed 11038443 (cited by Labcorp Genetics (formerly Invitae), Labcorp and Variantyx, Inc.); PubMed 12509714 (cited by Variantyx, Inc.); PubMed 40386185 (cited by Variantyx, Inc.).

NM_006579.3(EBP):c.558G>A (p.Trp186Ter)

Gene: EBP (EBP cholestenol delta-isomerase; plus strand). Cytogenetic location: Xp11.23.
Variant type: single nucleotide variant.
Coding change: c.558G>A on transcript NM_006579.3 (MANE Select); coding-DNA position 558, G replaced by A.
Protein change: p.Trp186Ter; replaces tryptophan 186 with a stop codon.
Molecular consequence: nonsense.
Genome position (GRCh38, 1-based): chrX:48,528,322, G>A. VCF-style: chrX-48528322-G-A. GRCh37 (hg19) VCF-style: chrX-48386710-G-A.
Other names: short protein forms W186*.
Identifiers: ClinVar variation 4710748 (VCV004710748.2).